The following is an entry in ClinVar:

NM_001917.5(DAO):c.279G>A (p.Ser93=)

Gene: DAO (D-amino acid oxidase; plus strand). Cytogenetic location: 12q24.11.
Variant type: single nucleotide variant.
Coding change: c.279G>A on transcript NM_001917.5 (MANE Select); coding-DNA position 279, G replaced by A.
Protein change: p.Ser93=; no amino-acid change (serine 93 retained).
Molecular consequence: synonymous variant.
Genome position (GRCh38, 1-based): chr12:108,887,534, G>A. VCF-style: chr12-108887534-G-A. GRCh37 (hg19) VCF-style: chr12-109281310-G-A.
Other names: NC_000012.11:g.109281310G>A.
Identifiers: ClinVar variation 1279421 (VCV001279421.5), dbSNP rs7980427, ClinGen allele CA6771021.

ClinVar aggregate classification (germline): Benign. Review status: criteria provided, multiple submitters, no conflicts (2 of 4 stars). 3 submissions from 3 submitters: Benign (2). 1 of the submissions does not count toward it. Last evaluated 2021-06-09.

Conditions:
DAO-related disorder. Also called: DAO-related condition.

Allele frequency attached by ClinVar (database versions not stated): TOPMed 0.14613; 1000 Genomes Project 0.14637; ESP Exome Variant Server 0.15155; 1000 Genomes Project 30x 0.15334.
gnomAD v4.1: 147,027 of 1,613,036 alleles (9.1%); highest among the groups gnomAD compares: African/African-American, 31%; 9,252 homozygotes.

Submissions (5):

GeneDx
Classification: Benign. Last evaluated: 2021-06-09. Review status: criteria provided, single submitter. Criteria: GeneDx Variant Classification Process June 2021. Collection method: clinical testing. Allele origin: germline. Affected: yes.

Breakthrough Genomics
Classification: Benign. Review status: criteria provided, single submitter. Criteria: ACMG Guidelines, 2015. Collection method: not provided. Allele origin: germline. Inheritance: Unknown mechanism. Affected: yes.

PreventionGenetics, part of Exact Sciences
Classification: Benign for DAO-related condition. Last evaluated: 2019-10-21. Review status: no assertion criteria provided. Collection method: clinical testing. Allele origin: germline. Not counted in ClinVar's aggregate classification.
Comment: This variant is classified as benign based on ACMG/AMP sequence variant interpretation guidelines (Richards et al. 2015 PMID: 25741868, with internal and published modifications).

Dr. Peter K. Rogan Lab, Western University
No classification provided (evidence only). Condition: Thymoma. Review status: no classification provided. Collection method: in vitro. Allele origin: not applicable. Functional consequence: retained intron. Not counted in ClinVar's aggregate classification.

Dr. Peter K. Rogan Lab, Western University
No classification provided (evidence only). Condition: Cholangiocarcinoma. Review status: no classification provided. Collection method: in vitro. Allele origin: not applicable. Functional consequence: retained intron. Not counted in ClinVar's aggregate classification.